The following is an entry in ClinVar:

ClinVar aggregate classification (germline): Uncertain significance (1 of 4 stars; one submission).

Allele frequency attached by ClinVar (database versions not stated): gnomAD 0.00001.

Submission:

Labcorp Genetics (formerly Invitae), Labcorp
Classification: Uncertain significance. Last evaluated: 2024-10-17. Review status: criteria provided, single submitter. Criteria: Invitae Variant Classification Sherloc (09022015). Collection method: clinical testing. Allele origin: germline.
Comment: This sequence change replaces leucine, which is neutral and non-polar, with proline, which is neutral and non-polar, at codon 36 of the ADSSL1 protein (p.Leu36Pro). The frequency data for this variant in the population databases is considered unreliable, as metrics indicate poor data quality at this position in the gnomAD database. This variant has not been reported in the literature in individuals affected with ADSSL1-related conditions. ClinVar contains an entry for this variant (Variation ID: 1681880). An algorithm developed to predict the effect of missense changes on protein structure and function outputs the following: PolyPhen-2: "Not Available". The proline amino acid residue is found in multiple mammalian species, which suggests that this missense change does not adversely affect protein function. In summary, the available evidence is currently insufficient to determine the role of this variant in disease. Therefore, it has been classified as a Variant of Uncertain Significance.

NM_152328.5(ADSS1):c.193-5021T>C

Gene: ADSS1 (adenylosuccinate synthase 1; plus strand). Cytogenetic location: 14q32.33.
Variant type: single nucleotide variant.
Coding change: c.193-5021T>C on transcript NM_152328.5 (MANE Select); 5021 bases into the intron before coding-DNA position 193, T replaced by C.
Molecular consequence: intron variant. On other transcripts: 5 prime UTR variant (1), missense variant (1).
Genome position (GRCh38, 1-based): chr14:104,729,999, T>C. VCF-style: chr14-104729999-T-C. GRCh37 (hg19) VCF-style: chr14-105196336-T-C.
Other names: c.-621T>C (NM_001320424.1); c.107T>C, p.Leu36Pro (NM_199165.2); short protein forms L36P.
Identifiers: ClinVar variation 1681880 (VCV001681880.6), dbSNP rs1204733269, ClinGen allele CA391232611.
Genomic context (GRCh38, chr14:104,729,999, plus strand): 5'-GGCAGAGGCCCACGAACCTGGCCCTGACCCTCAGCTCGTCCCCAGCTCACAGCACAGCCC[T>C]CCCCTGGCTGCCTCCAAGGAGTCTCCAGTTACTGAGTGGCCACTCCGTGCCAGCTCAGCC-3'